The following is an entry in ClinVar:

ClinVar aggregate classification (germline): Benign (1 of 4 stars; one submission).

Allele frequency attached by ClinVar (database versions not stated): TOPMed 0.47738; 1000 Genomes Project 30x 0.49047; 1000 Genomes Project 0.50200; gnomAD 0.50790 and 0.51632.
gnomAD v4.1: 78,733 of 152,120 alleles (52%); highest among the groups gnomAD compares: East Asian, 69%; 23,081 homozygotes.

Submission:

GeneDx
Classification: Benign. Last evaluated: 2019-10-16. Review status: criteria provided, single submitter. Criteria: GeneDx Variant Classification Process June 2021. Collection method: clinical testing. Allele origin: germline. Affected: yes.
Comment: This variant is associated with the following publications: (PMID: 30335480)

NM_004302.5(ACVR1B):c.91+2641A>G

Gene: ACVR1B (activin A receptor type 1B; plus strand). Cytogenetic location: 12q13.13.
Variant type: single nucleotide variant.
Coding change: c.91+2641A>G on transcript NM_004302.5 (MANE Select); 2641 bases into the intron after coding-DNA position 91, A replaced by G.
Molecular consequence: intron variant.
Genome position (GRCh38, 1-based): chr12:51,954,475, A>G. VCF-style: chr12-51954475-A-G. GRCh37 (hg19) VCF-style: chr12-52348259-A-G.
Other names: c.-198+1704A>G (NM_001412778.1); c.-66+1704A>G (NM_001412779.1); c.-429+2641A>G (NM_001412781.1); c.-198+2641A>G (NM_001412780.1); c.91+2641A>G (NM_020328.4, NM_001412774.1, NM_001412775.1 and 6 more transcripts); c.-66+976A>G (NM_020327.5).
Identifiers: ClinVar variation 1287358 (VCV001287358.1), dbSNP rs7962469, ClinGen allele CA13589057.